The following is an entry in ClinVar:

ClinVar aggregate classification (germline): Uncertain significance. Review status: criteria provided, multiple submitters, no conflicts (2 of 4 stars). 2 submissions from 2 submitters: Uncertain significance (2). Last evaluated 2023-04-05.

Conditions:
Inborn genetic diseases. Identifiers: MedGen C0950123, MeSH D030342.

Allele frequency attached by ClinVar (database versions not stated): gnomAD 0.00003; TOPMed 0.00006; 1000 Genomes Project 30x 0.00016; ESP Exome Variant Server 0.00016; 1000 Genomes Project 0.00020; ExAC 0.00021.

Submissions (2):

Ambry Genetics
Classification: Uncertain significance for Inborn genetic diseases. Last evaluated: 2023-04-05. Review status: criteria provided, single submitter. Criteria: Ambry Variant Classification Scheme 2023. Collection method: clinical testing. Allele origin: germline.

Labcorp Genetics (formerly Invitae), Labcorp
Classification: Uncertain significance. Last evaluated: 2022-07-17. Review status: criteria provided, single submitter. Criteria: Invitae Variant Classification Sherloc (09022015). Collection method: clinical testing. Allele origin: germline.
Comment: This sequence change replaces alanine, which is neutral and non-polar, with threonine, which is neutral and polar, at codon 32 of the OSTM1 protein (p.Ala32Thr). This variant is present in population databases (rs373260347, gnomAD 0.009%). This variant has not been reported in the literature in individuals affected with OSTM1-related conditions. Algorithms developed to predict the effect of missense changes on protein structure and function output the following: SIFT: "Deleterious"; PolyPhen-2: "Benign"; Align-GVGD: "Class C0". The threonine amino acid residue is found in multiple mammalian species, which suggests that this missense change does not adversely affect protein function. In summary, the available evidence is currently insufficient to determine the role of this variant in disease. Therefore, it has been classified as a Variant of Uncertain Significance.

NM_014028.4(OSTM1):c.94G>A (p.Ala32Thr)

Genes: OSTM1 (osteoclastogenesis associated transmembrane protein 1; minus strand), LOC129996933 (ATAC-STARR-seq lymphoblastoid silent region 17446; plus strand). Cytogenetic location: 6q21.
Variant type: single nucleotide variant.
Coding change: c.94G>A on transcript NM_014028.4 (MANE Select); coding-DNA position 94, G replaced by A.
Protein change: p.Ala32Thr; replaces alanine 32 with threonine.
Molecular consequence: missense variant.
Genome position (GRCh38, 1-based): chr6:108,074,558, C>T on the plus strand (G>A on the coding strand, the complement: OSTM1 is on the minus strand). VCF-style: chr6-108074558-C-T. GRCh37 (hg19) VCF-style: chr6-108395762-C-T.
Other names: c.94G>A (NM_014028.3); short protein forms A32T.
Identifiers: ClinVar variation 2070610 (VCV002070610.3), dbSNP rs373260347, ClinGen allele CA3948136.